The following is an entry in ClinVar:

ClinVar aggregate classification (germline): Uncertain significance (1 of 4 stars; one submission).

Conditions:
Hereditary cancer-predisposing syndrome. Also called: Neoplastic Syndromes, Hereditary; Tumor predisposition; Hereditary Cancer Syndrome; Hereditary neoplastic syndrome. Identifiers: Orphanet 140162, MedGen C0027672, MeSH D009386, MONDO:0015356.

Submission:

Ambry Genetics
Classification: Uncertain significance for Hereditary cancer-predisposing syndrome. Last evaluated: 2026-05-27. Review status: criteria provided, single submitter. Criteria: Ambry Variant Classification Scheme 2023. Collection method: clinical testing. Allele origin: germline.
Comment: The p.R166G variant (also known as c.496A>G), located in coding exon 2 of the CDKN1B gene, results from an A to G substitution at nucleotide position 496. The arginine at codon 166 is replaced by glycine, an amino acid with dissimilar properties. This amino acid position is conserved. In addition, the in silico prediction for this alteration is inconclusive. Based on the available evidence, the clinical significance of this variant remains unclear.

NM_004064.5(CDKN1B):c.496A>G (p.Arg166Gly)

Gene: CDKN1B (cyclin dependent kinase inhibitor 1B; plus strand). Cytogenetic location: 12p13.1.
Variant type: single nucleotide variant.
Coding change: c.496A>G on transcript NM_004064.5 (MANE Select); coding-DNA position 496, A replaced by G.
Protein change: p.Arg166Gly; replaces arginine 166 with glycine.
Molecular consequence: missense variant.
Genome position (GRCh38, 1-based): chr12:12,718,845, A>G. VCF-style: chr12-12718845-A-G. GRCh37 (hg19) VCF-style: chr12-12871779-A-G.
Other names: short protein forms R166G.
Identifiers: ClinVar variation 4868634 (VCV004868634.1).
Genomic context (GRCh38, chr12:12,718,845, plus strand): 5'-AAGATTGTGTGTTCTTTTTAAAAATTTCCCCTGCGCTTAGATTCTTCTACTCAAAACAAA[A>G]GAGCCAACAGAACAGAAGAAAATGTTTCAGACGGTTCCCCAAATGCCGGTTCTGTGGAGC-3'
Protein context (NP_004055.1, residues 156-176): ATDDSSTQNK[Arg166Gly]ANRTEENVSD